The following is an entry in ClinVar:

NM_001378122.1(SH3D19):c.1343C>T (p.Pro448Leu)

Gene: SH3D19 (SH3 domain containing 19; minus strand). Cytogenetic location: 4q31.3.
Variant type: single nucleotide variant.
Coding change: c.1343C>T on transcript NM_001378122.1 (MANE Select); coding-DNA position 1343, C replaced by T.
Protein change: p.Pro448Leu; replaces proline 448 with leucine.
Molecular consequence: missense variant.
Genome position (GRCh38, 1-based): chr4:151,174,861, G>A on the plus strand (C>T on the coding strand, the complement: SH3D19 is on the minus strand). VCF-style: chr4-151174861-G-A. GRCh37 (hg19) VCF-style: chr4-152096013-G-A.
Other names: c.503C>T, p.Pro168Leu (NM_001009555.4, NM_001128923.2, NM_001128924.2 and 7 more transcripts); c.1343C>T, p.Pro448Leu (NM_001378121.1); c.1166C>T, p.Pro389Leu (NM_001378123.1, NM_001378124.1); short protein forms P168L, P389L, P448L.
Identifiers: ClinVar variation 3037415 (VCV003037415.3), dbSNP rs147501781, ClinGen allele CA3104846.
Genomic context (GRCh38, chr4:151,174,861, plus strand): 5'-GCTGGGGGCCCTTCTCCCAGTGACTTGTATGCTTTGGCTTGTGATGCCCCTGCGAGTCGG[G>A]GAGGAACAGTGACAGGTTTCAGTGGAGCTGAAGGGTAGGTGGGGTTTTCTGAGGAAACAG-3'
Protein context (NP_001365051.1, residues 438-458): SAPLKPVTVP[Pro448Leu]RLAGASQAKA

ClinVar aggregate classification (germline): Uncertain significance. Review status: criteria provided, single submitter (1 of 4 stars). 2 submissions from 2 submitters: Uncertain significance (1). 1 of the submissions does not count toward it. Last evaluated 2025-10-07.

Conditions:
SH3D19-related disorder. Also called: SH3D19-related condition.

Allele frequency attached by ClinVar (database versions not stated): ExAC 0.00161; gnomAD 0.00192; 1000 Genomes Project 30x 0.00078; TOPMed 0.00204; 1000 Genomes Project 0.00060; ESP Exome Variant Server 0.00292.
gnomAD v4.1: 4,524 of 1,604,428 alleles (0.28%); highest among the groups gnomAD compares: Non-Finnish European, 0.36%; 12 homozygotes.

Submissions (2):

Ambry Genetics
Classification: Uncertain significance. Last evaluated: 2025-10-07. Review status: criteria provided, single submitter. Criteria: Ambry Variant Classification Scheme 2023. Collection method: clinical testing. Allele origin: germline.

PreventionGenetics, part of Exact Sciences
Classification: Likely benign for SH3D19-related condition. Last evaluated: 2022-09-30. Review status: no assertion criteria provided. Collection method: clinical testing. Allele origin: germline. Not counted in ClinVar's aggregate classification.
Comment: This variant is classified as likely benign based on ACMG/AMP sequence variant interpretation guidelines (Richards et al. 2015 PMID: 25741868, with internal and published modifications).